The following is an entry in ClinVar:

NM_007194.4(CHEK2):c.1008+2T>G

Gene: CHEK2 (checkpoint kinase 2; minus strand). Cytogenetic location: 22q12.1.
Variant type: single nucleotide variant.
Coding change: c.1008+2T>G on transcript NM_007194.4 (MANE Select); the canonical splice donor site of the intron after coding-DNA position 1008, T replaced by G.
Molecular consequence: splice donor variant.
Genome position (GRCh38, 1-based): chr22:28,699,836, A>C on the plus strand (T>G on the coding strand, the complement: CHEK2 is on the minus strand). VCF-style: chr22-28699836-A-C. GRCh37 (hg19) VCF-style: chr22-29095824-A-C.
Other names: c.345+2T>G (NM_001437942.1, NM_001257387.3); c.807+2T>G (NM_001349956.3); c.1008+2T>G (NM_145862.3); c.1101+2T>G (NM_001438295.1, NM_001438293.1); c.1137+2T>G (NM_001438294.1, NM_001005735.3).
Identifiers: ClinVar variation 479579 (VCV000479579.26), dbSNP rs1555915295, ClinGen allele CA411099208.

ClinVar aggregate classification (germline): Likely pathogenic. Review status: criteria provided, multiple submitters, no conflicts (2 of 4 stars). 8 submissions from 8 submitters: Likely pathogenic (8). Last evaluated 2026-01-27.

Conditions:
Hereditary cancer-predisposing syndrome. Also called: Neoplastic Syndromes, Hereditary; Tumor predisposition; Hereditary Cancer Syndrome; Hereditary neoplastic syndrome. Identifiers: Orphanet 140162, MedGen C0027672, MeSH D009386, MONDO:0015356.
CHEK2-related cancer predisposition (TPDS4). Also called: CHEK2-related cancer susceptibility; TUMOR PREDISPOSITION SYNDROME 4; CANCER PREDISPOSITION SYNDROME, CHEK2-RELATED. Identifiers: Orphanet 524, MedGen C5882668, MONDO:0700271, OMIM 609265.
Bone osteosarcoma. Also called: Osteosarcoma, somatic. Identifiers: Orphanet 668, MedGen C0585442, MONDO:0002629, OMIM 259500.
Familial prostate cancer. Also called: Hereditary Prostate Cancer. Identifiers: MedGen C2931456, MONDO:0700275, OMIM 176807.
Familial cancer of breast. Also called: BREAST CANCER, FAMILIAL; hereditary breast carcinoma; Hereditary breast cancer. Identifiers: Orphanet 227535, MedGen C0346153, MONDO:0016419, OMIM 114480. Disease mechanism: loss of function.

Allele frequency attached by ClinVar (database versions not stated): gnomAD exomes below 0.00001.
gnomAD v4.1: 3 of 1,608,494 alleles (0.00019%); highest among the groups gnomAD compares: Admixed American, 0.0017%; no homozygotes.

Submissions (8):

Dasa
Classification: Likely pathogenic. Last evaluated: 2026-01-27. Review status: criteria provided, single submitter. Criteria: DASA Assertion Criteria. Collection method: clinical testing. Allele origin: germline.
Comment: NM_007194.4(CHEK2):c.1008+2T>G affects a canonical splice site and is predicted to disrupt normal RNA splicing. Loss of function is an established disease mechanism for CHEK2 (PMID: 15122511; PMID: 16897426; PMID: 18381420). Also, this variant is rare in population databases. Based on the currently available evidence, this variant is classified as likely pathogenic.

Labcorp Genetics (formerly Invitae), Labcorp
Classification: Likely pathogenic for Familial cancer of breast. Last evaluated: 2025-04-22. Review status: criteria provided, single submitter. Criteria: Invitae Variant Classification Sherloc (09022015). Collection method: clinical testing. Allele origin: germline.
Comment: This sequence change affects a donor splice site in intron 9 of the CHEK2 gene. It is expected to disrupt RNA splicing. Variants that disrupt the donor or acceptor splice site typically lead to a loss of protein function (PMID: 16199547), and loss-of-function variants in CHEK2 are known to be pathogenic (PMID: 21876083, 24713400). This variant is not present in population databases (gnomAD no frequency). Disruption of this splice site has been observed in individual(s) with breast cancer (PMID: 33606809, 35534704, 38355628). ClinVar contains an entry for this variant (Variation ID: 479579). Algorithms developed to predict the effect of sequence changes on RNA splicing suggest that this variant may disrupt the consensus splice site. In summary, the currently available evidence indicates that the variant is pathogenic, but additional data are needed to prove that conclusively. Therefore, this variant has been classified as Likely Pathogenic.

Ambry Genetics
Classification: Likely pathogenic for Hereditary cancer-predisposing syndrome. Last evaluated: 2024-12-02. Review status: criteria provided, single submitter. Criteria: Ambry Variant Classification Scheme 2023. Collection method: clinical testing. Allele origin: germline.
Comment: The c.1008+2T>G intronic variant results from a T to G substitution two nucleotides after coding exon 8 in the CHEK2 gene. This alteration was detected in a cohort of unrelated Brazilian individuals with breast cancer (Sandoval RL et al. PLoS One, 2021 Feb;16:e0247363). This variant is considered to be rare based on population cohorts in the Genome Aggregation Database (gnomAD). This nucleotide position is highly conserved in available vertebrate species. In silico splice site analysis predicts that this alteration will weaken the native splice donor site. RNA studies have demonstrated that this alteration results in abnormal splicing in the set of samples tested (Ambry internal data). Alterations that disrupt the canonical splice site are expected to cause aberrant splicing, resulting in an abnormal protein or a transcript that is subject to nonsense-mediated mRNA decay. As such, this alteration is classified as likely pathogenic

Fulgent Genetics
Classification: Likely pathogenic for Familial prostate cancer; Bone osteosarcoma; CHEK2-related cancer predisposition. Last evaluated: 2024-02-28. Review status: criteria provided, single submitter. Criteria: ACMG Guidelines, 2015. Collection method: clinical testing. Allele origin: germline.

Myriad Genetics, Inc.
Classification: Likely pathogenic for Familial cancer of breast. Last evaluated: 2023-06-27. Review status: criteria provided, single submitter. Criteria: Myriad Autosomal Dominant, Autosomal Recessive and X-Linked Classification Criteria (2023). Collection method: clinical testing. Allele origin: unknown.
Comment: This variant is considered likely pathogenic. This variant occurs within a consensus splice junction and is predicted to result in abnormal mRNA splicing of either an out-of-frame exon or an in-frame exon necessary for protein stability and/or normal function.

Color Diagnostics, LLC DBA Color Health
Classification: Likely pathogenic for Hereditary cancer-predisposing syndrome. Last evaluated: 2022-12-05. Review status: criteria provided, single submitter. Criteria: ACMG Guidelines, 2015. Collection method: clinical testing. Allele origin: germline.
Comment: This variant causes a T to G nucleotide substitution at the +2 position of intron 9 of the CHEK2 gene. Splice site prediction tools predict that this variant may have a significant impact on RNA splicing. Although, to our knowledge, functional RNA studies have not been reported for this variant, it is expected to result in an absent or non-functional protein product. This variant has not been reported in individuals affected with hereditary cancer in the literature. This variant has not been identified in the general population by the Genome Aggregation Database (gnomAD). Loss of CHEK2 function is a known mechanism of disease. Based on the available evidence, this variant is classified as Likely Pathogenic.

Sema4
Classification: Likely pathogenic for Hereditary cancer-predisposing syndrome. Last evaluated: 2020-08-10. Review status: criteria provided, single submitter. Criteria: Sema4 Curation Guidelines. Collection method: curation. Allele origin: germline.
Comment: To the best of our knowledge, the splice site variant c.1008+2T>G in gene CHEK2 has not been reported in individuals with CHEK2-related disease. This variant affects a nucleotide within a consensus splice site of an intron. This variant may cause exon skipping, intron retention or use of a cryptic splice site. The variant has been classified as LPATH by a ClinGen-approved expert panel. Based on the current evidence available, this variant is interpreted as LPATH.

Mendelics
Classification: Likely pathogenic for Familial cancer of breast. Last evaluated: 2018-07-02. Review status: criteria provided, single submitter. Criteria: Mendelics Assertion Criteria 2017. Collection method: clinical testing. Allele origin: unknown.

Literature cited by the submitters: PubMed 15122511 (cited by Dasa); PubMed 16897426 (cited by Dasa); PubMed 18381420 (cited by Dasa); PubMed 16199547 (cited by Labcorp Genetics (formerly Invitae), Labcorp); PubMed 21876083 (cited by Labcorp Genetics (formerly Invitae), Labcorp); PubMed 24713400 (cited by Labcorp Genetics (formerly Invitae), Labcorp); PubMed 33606809 (cited by Labcorp Genetics (formerly Invitae), Labcorp and Ambry Genetics); PubMed 35534704 (cited by Labcorp Genetics (formerly Invitae), Labcorp and Ambry Genetics); PubMed 38355628 (cited by Labcorp Genetics (formerly Invitae), Labcorp).